The following is an entry in ClinVar:

ClinVar aggregate classification (germline): Uncertain significance (1 of 4 stars; one submission).

Conditions:
Hereditary sensory neuropathy-deafness-dementia syndrome. Also called: NEUROPATHY, HEREDITARY SENSORY, WITH HEARING LOSS AND DEMENTIA; Hereditary sensory neuropathy type IE; Hereditary Sensory and Autonomic Neuropathy Type 1E (HSAN1E); HSN IE. Identifiers: Orphanet 456318, MedGen C3279885, MONDO:0013584, OMIM 614116.

Allele frequency attached by ClinVar (database versions not stated): ExAC 0.00001; gnomAD 0.00001; 1000 Genomes Project 0.00020; 1000 Genomes Project 30x 0.00031.
gnomAD v4.1: 1 of 1,614,252 alleles (0.000062%); highest among the groups gnomAD compares: South Asian, 0.0011%; no homozygotes.

Submission:

Labcorp Genetics (formerly Invitae), Labcorp
Classification: Uncertain significance for Hereditary sensory neuropathy-deafness-dementia syndrome. Last evaluated: 2022-01-16. Review status: criteria provided, single submitter. Criteria: Invitae Variant Classification Sherloc (09022015). Collection method: clinical testing. Allele origin: germline.
Comment: In summary, the available evidence is currently insufficient to determine the role of this variant in disease. Therefore, it has been classified as a Variant of Uncertain Significance. Algorithms developed to predict the effect of missense changes on protein structure and function are either unavailable or do not agree on the potential impact of this missense change (SIFT: "Deleterious"; PolyPhen-2: "Probably Damaging"; Align-GVGD: "Class C0"). This variant has not been reported in the literature in individuals affected with DNMT1-related conditions. This variant is present in population databases (rs556213169, gnomAD 0.003%). This sequence change replaces threonine, which is neutral and polar, with isoleucine, which is neutral and non-polar, at codon 549 of the DNMT1 protein (p.Thr549Ile).

NM_001130823.3(DNMT1):c.1646C>T (p.Thr549Ile)

Gene: DNMT1 (DNA methyltransferase 1; minus strand). Cytogenetic location: 19p13.2.
Variant type: single nucleotide variant.
Coding change: c.1646C>T on transcript NM_001130823.3 (MANE Select); coding-DNA position 1646, C replaced by T.
Protein change: p.Thr549Ile; replaces threonine 549 with isoleucine.
Molecular consequence: missense variant.
Genome position (GRCh38, 1-based): chr19:10,154,772, G>A on the plus strand (C>T on the coding strand, the complement: DNMT1 is on the minus strand). VCF-style: chr19-10154772-G-A. GRCh37 (hg19) VCF-style: chr19-10265448-G-A.
Other names: c.1598C>T, p.Thr533Ile (NM_001318730.2, NM_001379.4); c.1283C>T, p.Thr428Ile (NM_001318731.2); short protein forms T428I, T533I, T549I.
Identifiers: ClinVar variation 2142054 (VCV002142054.4), dbSNP rs556213169, ClinGen allele CA9188252.